The following is an entry in ClinVar:

NM_022124.6(CDH23):c.8560+1G>A

Gene: CDH23 (cadherin related 23; plus strand). Cytogenetic location: 10q22.1.
Variant type: single nucleotide variant.
Coding change: c.8560+1G>A on transcript NM_022124.6 (MANE Select); the canonical splice donor site of the intron after coding-DNA position 8560, G replaced by A.
Molecular consequence: splice donor variant.
Genome position (GRCh38, 1-based): chr10:71,807,768, G>A. VCF-style: chr10-71807768-G-A. GRCh37 (hg19) VCF-style: chr10-73567525-G-A.
Other names: c.1840+1G>A (NM_001171933.1, NM_001171934.1).
Identifiers: ClinVar variation 2845196 (VCV002845196.3), dbSNP rs2494436715, ClinGen allele CA377131883.

ClinVar aggregate classification (germline): Likely pathogenic (1 of 4 stars; one submission).

Allele frequency attached by ClinVar (database versions not stated): gnomAD exomes below 0.00001.
gnomAD v4.1: 3 of 1,597,774 alleles (0.00019%); highest among the groups gnomAD compares: East Asian, 0.0023%; no homozygotes.

Submission:

Labcorp Genetics (formerly Invitae), Labcorp
Classification: Likely pathogenic. Last evaluated: 2023-10-13. Review status: criteria provided, single submitter. Criteria: Invitae Variant Classification Sherloc (09022015). Collection method: clinical testing. Allele origin: germline.
Comment: This sequence change affects a donor splice site in intron 59 of the CDH23 gene. It is expected to disrupt RNA splicing. Variants that disrupt the donor or acceptor splice site typically lead to a loss of protein function (PMID: 16199547), and loss-of-function variants in CDH23 are known to be pathogenic (PMID: 11138009, 21940737). This variant is not present in population databases (gnomAD no frequency). This variant has not been reported in the literature in individuals affected with CDH23-related conditions. Algorithms developed to predict the effect of sequence changes on RNA splicing suggest that this variant may disrupt the consensus splice site. In summary, the currently available evidence indicates that the variant is pathogenic, but additional data are needed to prove that conclusively. Therefore, this variant has been classified as Likely Pathogenic.

Literature cited by the submitters: PubMed 16199547; PubMed 11138009; PubMed 21940737.